The following is an entry in ClinVar:

ClinVar aggregate classification (germline): Uncertain significance (1 of 4 stars; one submission).

Conditions:
Immunodeficiency. Identifiers: MedGen C0021051, MONDO:0021094, HP:0002721.

gnomAD v4.1: 3 of 1,613,856 alleles (0.00019%); highest among the groups gnomAD compares: Admixed American, 0.005%; no homozygotes.

Submission:

Labcorp Genetics (formerly Invitae), Labcorp
Classification: Uncertain significance for Immunodeficiency. Last evaluated: 2025-10-25. Review status: criteria provided, single submitter. Criteria: Invitae Variant Classification Sherloc (09022015). Collection method: clinical testing. Allele origin: germline.
Comment: This sequence change replaces threonine, which is neutral and polar, with proline, which is neutral and non-polar, at codon 22 of the NFAT5 protein (p.Thr22Pro). This variant is present in population databases (no rsID available, gnomAD 0.006%). This variant has not been reported in the literature in individuals affected with NFAT5-related conditions. An algorithm developed to predict the effect of missense changes on protein structure and function (PolyPhen-2) suggests that this variant is likely to be disruptive. In summary, the available evidence is currently insufficient to determine the role of this variant in disease. Therefore, it has been classified as a Variant of Uncertain Significance.

NM_138713.4(NFAT5):c.346A>C (p.Thr116Pro)

Gene: NFAT5 (nuclear factor of activated T cells 5; plus strand). Cytogenetic location: 16q22.1.
Variant type: single nucleotide variant.
Coding change: c.346A>C on transcript NM_138713.4 (MANE Select); coding-DNA position 346, A replaced by C.
Protein change: p.Thr116Pro; replaces threonine 116 with proline.
Molecular consequence: missense variant. On other transcripts: synonymous variant (1).
Genome position (GRCh38, 1-based): chr16:69,647,120, A>C. VCF-style: chr16-69647120-A-C. GRCh37 (hg19) VCF-style: chr16-69681023-A-C.
Other names: c.346A>C, p.Thr116Pro (NM_001113178.3); c.93A>C, p.Ser31= (NM_001367709.1); c.292A>C, p.Thr98Pro (NM_006599.4); c.64A>C, p.Thr22Pro (NM_138714.4, NM_173214.3, NM_173215.3); short protein forms T116P, T22P, T98P.
Identifiers: ClinVar variation 4732135 (VCV004732135.1).